The following is an entry in ClinVar:

NM_007294.4(BRCA1):c.4843dup (p.Ala1615fs)

Gene: BRCA1 (BRCA1 DNA repair associated; minus strand). Cytogenetic location: 17q21.31.
Variant type: Duplication.
Coding change: c.4843dup on transcript NM_007294.4 (MANE Select); coding-DNA position 4843, one base duplicated (G; older notation c.4843dupG).
Protein change: p.Ala1615fs; shifts the reading frame from alanine 1615.
Molecular consequence: frameshift variant. On other transcripts: non-coding transcript variant (1).
Genome position (GRCh38, 1-based): chr17:43,071,071, C duplicated on the plus strand (G on the coding strand, the reverse complement: BRCA1 is on the minus strand). VCF-style (leftmost placement, unchanged base first): chr17-43071070-G-GC. GRCh37 (hg19) VCF-style: chr17-41223087-G-GC.
Other names: 4962insG; c.4843dupG (NM_007294.3); c.4699dup, p.Ala1567Glyfs (NM_001407751.1, NM_001407752.1, NM_001407943.1 and 21 more transcripts); c.4696dup, p.Ala1566Glyfs (NM_001407838.1, NM_001407839.1, NM_001407841.1 and 12 more transcripts); c.4843dup, p.Ala1615Glyfs (NM_001407854.1, NM_001407593.1, NM_001407594.1 and 8 more transcripts); c.4840dup, p.Ala1614Glyfs (NM_001407858.1, NM_001407859.1, NM_001407860.1 and 17 more transcripts); c.4837dup, p.Ala1613Glyfs (NM_001407861.1, NM_001407627.1, NM_001407628.1 and 14 more transcripts); c.4642dup, p.Ala1548Glyfs (NM_001407862.1); and 75 more; short protein forms A1568fs, A1615fs, A1636fs, A511fs.
Identifiers: ClinVar variation 125732 (VCV000125732.4), dbSNP rs80357615, ClinGen allele CA003049.

ClinVar aggregate classification (germline): Pathogenic. Review status: reviewed by expert panel (3 of 4 stars). 3 submissions from 3 submitters: Pathogenic (1). 2 of the submissions do not count toward it. Last evaluated 2016-09-08.

Conditions:
Breast-ovarian cancer, familial, susceptibility to, 1 (BROVCA1). Also called: BRCA1 Hereditary Breast and Ovarian Cancer; OVARIAN CANCER, SUSCEPTIBILITY TO. Identifiers: Orphanet 145, MedGen C2676676, MONDO:0011450, OMIM 604370. Disease mechanism: loss of function.

Submissions (3):

Evidence-based Network for the Interpretation of Germline Mutant Alleles (ENIGMA)
Classification: Pathogenic for Breast-ovarian cancer, familial, susceptibility to, 1. Last evaluated: 2016-09-08. Review status: reviewed by expert panel. Criteria: ENIGMA BRCA1/2 Classification Criteria (2015). Collection method: curation. Allele origin: germline.
Comment: Variant allele predicted to encode a truncated non-functional protein.

Consortium of Investigators of Modifiers of BRCA1/2 (CIMBA), c/o University of Cambridge
Classification: Pathogenic for Breast-ovarian cancer, familial, susceptibility to, 1. Last evaluated: 2015-10-02. Review status: criteria provided, single submitter. Criteria: CIMBA Mutation Classification guidelines May 2016. Collection method: clinical testing. Allele origin: germline. Not counted in ClinVar's aggregate classification.

Breast Cancer Information Core (BIC) (BRCA1)
Classification: Pathogenic for Breast-ovarian cancer, familial 1. Last evaluated: 2003-12-23. Review status: no assertion criteria provided. Collection method: clinical testing. Allele origin: germline. Affected: yes. Observed: 1 variant allele. Not counted in ClinVar's aggregate classification.